The following is an entry in ClinVar:

ClinVar aggregate classification (germline): Pathogenic (1 of 4 stars; one submission).

Conditions:
Hereditary breast ovarian cancer syndrome. Also called: Hereditary breast and ovarian cancer; Hereditary breast and ovarian cancer syndrome (HBOC); BRCA1- and BRCA2-Associated Hereditary Breast and Ovarian Cancer; Hereditary breast and ovarian cancer syndrome; Hereditary breast and/or ovarian cancer syndrome; Breast and ovarian cancer. Identifiers: Orphanet 145, MedGen C0677776, MeSH D061325, MONDO:0003582. Disease mechanism: loss of function.

Submission:

Labcorp Genetics (formerly Invitae), Labcorp
Classification: Pathogenic for Hereditary breast ovarian cancer syndrome. Last evaluated: 2019-12-13. Review status: criteria provided, single submitter. Criteria: Invitae Variant Classification Sherloc (09022015). Collection method: clinical testing. Allele origin: germline.
Comment: This variant is not present in population databases (ExAC no frequency). For these reasons, this variant has been classified as Pathogenic. Loss-of-function variants in BRCA2 are known to be pathogenic (PMID: 20104584). This variant has not been reported in the literature in individuals with BRCA2-related disease. This sequence change creates a premature translational stop signal (p.Ala736Glnfs*36) in the BRCA2 gene. It is expected to result in an absent or disrupted protein product.

Literature cited by the submitters: PubMed 20104584.

NM_000059.4(BRCA2):c.2205del (p.Ala736fs)

Gene: BRCA2 (BRCA2 DNA repair associated; plus strand). Cytogenetic location: 13q13.1.
Variant type: Deletion.
Coding change: c.2205del on transcript NM_000059.4 (MANE Select); coding-DNA position 2205, one base deleted (T; older notation c.2205delT).
Protein change: p.Ala736fs; shifts the reading frame from alanine 736.
Molecular consequence: frameshift variant.
Genome position (GRCh38, 1-based): chr13:32,336,560, T deleted. VCF-style (leftmost placement, unchanged base first): chr13-32336559-CT-C. GRCh37 (hg19) VCF-style: chr13-32910696-CT-C.
Other names: c.2205delT (NM_000059.3); short protein forms A736fs.
Identifiers: ClinVar variation 639531 (VCV000639531.9), dbSNP rs1593896336, ClinGen allele CA915946983.